The following is an entry in ClinVar:

ClinVar aggregate classification (germline): Uncertain significance (1 of 4 stars; one submission).

Conditions:
Cardiovascular phenotype. Identifiers: MedGen CN230736.

gnomAD v4.1: 9 of 1,612,664 alleles (0.00056%); highest among the groups gnomAD compares: African/African-American, 0.0093%; no homozygotes.

Submission:

Ambry Genetics
Classification: Uncertain significance for Cardiovascular phenotype. Last evaluated: 2025-03-02. Review status: criteria provided, single submitter. Criteria: Ambry Variant Classification Scheme 2023. Collection method: clinical testing. Allele origin: germline.
Comment: The p.F267L variant (also known as c.801T>G), located in coding exon 6 of the LIPA gene, results from a T to G substitution at nucleotide position 801. The phenylalanine at codon 267 is replaced by leucine, an amino acid with highly similar properties. This amino acid position is conserved. In addition, the in silico prediction for this alteration is inconclusive. Based on the available evidence, the clinical significance of this variant remains unclear.

NM_000235.4(LIPA):c.801T>G (p.Phe267Leu)

Gene: LIPA (lipase A, lysosomal acid type; minus strand). Cytogenetic location: 10q23.31.
Variant type: single nucleotide variant.
Coding change: c.801T>G on transcript NM_000235.4 (MANE Select); coding-DNA position 801, T replaced by G.
Protein change: p.Phe267Leu; replaces phenylalanine 267 with leucine.
Molecular consequence: missense variant.
Genome position (GRCh38, 1-based): chr10:89,223,705, A>C on the plus strand (T>G on the coding strand, the complement: LIPA is on the minus strand). VCF-style: chr10-89223705-A-C. GRCh37 (hg19) VCF-style: chr10-90983462-A-C.
Other names: c.801T>G, p.Phe267Leu (NM_001127605.3); c.453T>G, p.Phe151Leu (NM_001288979.2); short protein forms F267L, F151L.
Identifiers: ClinVar variation 3867314 (VCV003867314.1).